The following is an entry in ClinVar:

ClinVar aggregate classification (germline): Uncertain significance. Review status: criteria provided, multiple submitters, no conflicts (2 of 4 stars). 2 submissions from 2 submitters: Uncertain significance (2). Last evaluated 2025-04-11.

Conditions:
Inborn genetic diseases. Identifiers: MedGen C0950123, MeSH D030342.

gnomAD v4.1: 99 of 1,613,398 alleles (0.0061%); highest among the groups gnomAD compares: Middle Eastern, 0.017%; no homozygotes.

Submissions (2):

Labcorp Genetics (formerly Invitae), Labcorp
Classification: Uncertain significance. Last evaluated: 2025-04-11. Review status: criteria provided, single submitter. Criteria: Invitae Variant Classification Sherloc (09022015). Collection method: clinical testing. Allele origin: germline.
Comment: This sequence change replaces valine, which is neutral and non-polar, with methionine, which is neutral and non-polar, at codon 2220 of the RTTN protein (p.Val2220Met). This variant is present in population databases (rs201561378, gnomAD 0.01%). This variant has not been reported in the literature in individuals affected with RTTN-related conditions. An algorithm developed to predict the effect of missense changes on protein structure and function outputs the following: PolyPhen-2: "Benign". The methionine amino acid residue is found in multiple mammalian species, which suggests that this missense change does not adversely affect protein function. In summary, the available evidence is currently insufficient to determine the role of this variant in disease. Therefore, it has been classified as a Variant of Uncertain Significance.

Ambry Genetics
Classification: Uncertain significance for Inborn genetic diseases. Last evaluated: 2025-02-10. Review status: criteria provided, single submitter. Criteria: Ambry Variant Classification Scheme 2023. Collection method: clinical testing. Allele origin: germline.

NM_173630.4(RTTN):c.6658G>A (p.Val2220Met)

Gene: RTTN (rotatin; minus strand). Cytogenetic location: 18q22.2.
Variant type: single nucleotide variant.
Coding change: c.6658G>A on transcript NM_173630.4 (MANE Select); coding-DNA position 6658, G replaced by A.
Protein change: p.Val2220Met; replaces valine 2220 with methionine.
Molecular consequence: missense variant.
Genome position (GRCh38, 1-based): chr18:70,004,174, C>T on the plus strand (G>A on the coding strand, the complement: RTTN is on the minus strand). VCF-style: chr18-70004174-C-T. GRCh37 (hg19) VCF-style: chr18-67671410-C-T.
Other names: c.3922G>A, p.Val1308Met (NM_001318520.2); short protein forms V1308M, V2220M.
Identifiers: ClinVar variation 3791396 (VCV003791396.2).